The following is an entry in ClinVar:

NM_001349206.2(LPIN1):c.1922G>A (p.Arg641His)

Gene: LPIN1 (lipin 1; plus strand). Cytogenetic location: 2p25.1.
Variant type: single nucleotide variant.
Coding change: c.1922G>A on transcript NM_001349206.2 (MANE Select); coding-DNA position 1922, G replaced by A.
Protein change: p.Arg641His; replaces arginine 641 with histidine.
Molecular consequence: missense variant. On other transcripts: non-coding transcript variant (1).
Genome position (GRCh38, 1-based): chr2:11,802,942, G>A. VCF-style: chr2-11802942-G-A. GRCh37 (hg19) VCF-style: chr2-11943068-G-A.
Other names: c.1832G>A, p.Arg611His (NM_001261427.3); c.2069G>A, p.Arg690His (NM_001261428.3); c.1814G>A, p.Arg605His (NM_001349199.2, NM_145693.4); c.1892G>A, p.Arg631His (NM_001349200.2, NM_001349201.2); c.1919G>A, p.Arg640His (NM_001349202.2, NM_001349203.2); c.1922G>A, p.Arg641His (NM_001349204.2, NM_001349205.2); c.2012G>A, p.Arg671His (NM_001349207.2); c.1961G>A, p.Arg654His (NM_001349208.2); short protein forms R690H, R605H, R640H, R641H, R654H, R671H, R611H, R631H.
Identifiers: ClinVar variation 785776 (VCV000785776.13), dbSNP rs145021638, ClinGen allele CA1533929.

ClinVar aggregate classification (germline): Conflicting classifications of pathogenicity. Review status: criteria provided, conflicting classifications (1 of 4 stars). 3 submissions from 3 submitters: Uncertain significance (1); Likely benign (1). 1 of the submissions does not count toward it. Last evaluated 2025-10-18.

Conditions:
LPIN1-related disorder. Also called: LPIN1-related condition.
Myoglobinuria, acute recurrent, autosomal recessive. Also called: Myoglobinuria, recurrent, autosomal recessive; MYOGLOBINURIA, FAMILIAL PAROXYSMAL PARALYTIC; RHABDOMYOLYSIS, ACUTE RECURRENT. Identifiers: Orphanet 99845, MedGen C1849386, MONDO:0009992, OMIM 268200.

Allele frequency attached by ClinVar (database versions not stated): gnomAD exomes 0.00014 and 0.00023; gnomAD 0.00101 and 0.00092; 1000 Genomes Project 30x 0.00016; 1000 Genomes Project 0.00020; ExAC 0.00028; TOPMed 0.00090; ESP Exome Variant Server 0.00100.
gnomAD v4.1: 351 of 1,613,422 alleles (0.022%); highest among the groups gnomAD compares: African/African-American, 0.33%; 3 homozygotes.

Submissions (3):

Labcorp Genetics (formerly Invitae), Labcorp
Classification: Likely benign. Last evaluated: 2025-10-18. Review status: criteria provided, single submitter. Criteria: Invitae Variant Classification Sherloc (09022015). Collection method: clinical testing. Allele origin: germline.

Illumina Laboratory Services, Illumina
Classification: Uncertain significance for Myoglobinuria, acute recurrent, autosomal recessive. Last evaluated: 2018-01-12. Review status: criteria provided, single submitter. Criteria: ICSL Variant Classification Criteria 13 December 2019. Collection method: clinical testing. Allele origin: germline.

PreventionGenetics, part of Exact Sciences
Classification: Likely benign for LPIN1-related condition. Last evaluated: 2022-04-18. Review status: no assertion criteria provided. Collection method: clinical testing. Allele origin: germline. Not counted in ClinVar's aggregate classification.
Comment: This variant is classified as likely benign based on ACMG/AMP sequence variant interpretation guidelines (Richards et al. 2015 PMID: 25741868, with internal and published modifications).